The following is an entry in ClinVar:

ClinVar aggregate classification (germline): Likely benign (1 of 4 stars; one submission).

Conditions:
PMP22-related disorder. Also called: PMP22-related disorders; PMP22-related condition.

gnomAD v4.1: 53 of 717,460 alleles (0.0074%); highest among the groups gnomAD compares: African/African-American, 0.047%; no homozygotes.

Submission:

PreventionGenetics, part of Exact Sciences
Classification: Likely benign for PMP22-related condition. Last evaluated: 2025-07-30. Review status: criteria provided, single submitter. Criteria: ACMG Guidelines, 2015. Collection method: clinical testing. Allele origin: germline.
Comment: This variant is classified as likely benign based on ACMG/AMP sequence variant interpretation guidelines (Richards et al. 2015 PMID: 25741868, with internal and published modifications).

NM_000304.4(PMP22):c.319+4181C>T

Gene: PMP22 (peripheral myelin protein 22; minus strand). Cytogenetic location: 17p12.
Variant type: single nucleotide variant.
Coding change: c.319+4181C>T on transcript NM_000304.4 (MANE Select); 4181 bases into the intron after coding-DNA position 319, C replaced by T.
Molecular consequence: intron variant.
Genome position (GRCh38, 1-based): chr17:15,235,290, G>A on the plus strand (C>T on the coding strand, the complement: PMP22 is on the minus strand). VCF-style: chr17-15235290-G-A. GRCh37 (hg19) VCF-style: chr17-15138607-G-A.
Other names: c.319+4181C>T (NM_001281456.2, NM_153321.3, NM_001281455.2 and 1 more transcripts); c.320-6C>T (NM_001330143.2).
Identifiers: ClinVar variation 4988773 (VCV004988773.1).